The following is an entry in ClinVar:

NM_001999.4(FBN2):c.3982G>T (p.Glu1328Ter)

Gene: FBN2 (fibrillin 2; minus strand). Cytogenetic location: 5q23.3.
Variant type: single nucleotide variant.
Coding change: c.3982G>T on transcript NM_001999.4 (MANE Select); coding-DNA position 3982, G replaced by T.
Protein change: p.Glu1328Ter; replaces glutamic acid 1328 with a stop codon.
Molecular consequence: nonsense.
Genome position (GRCh38, 1-based): chr5:128,334,836, C>A on the plus strand (G>T on the coding strand, the complement: FBN2 is on the minus strand). VCF-style: chr5-128334836-C-A. GRCh37 (hg19) VCF-style: chr5-127670528-C-A.
Other names: short protein forms E1328*.
Identifiers: ClinVar variation 992339 (VCV000992339.5), dbSNP rs1750792951, ClinGen allele CA360757249.
Genomic context (GRCh38, chr5:128,334,836, plus strand): 5'-AGGATCCCTTTGTGTTCTCACATTCCCCAAACATGCAGATATTTGAATTTAGGTCACATT[C>A]ATTGACATCTAGAAAATTTATTTTCAATATCTTAGTATGTGCTCATCACAGTAATTTAAA-3'

ClinVar aggregate classification (germline): Conflicting classifications of pathogenicity. Review status: criteria provided, conflicting classifications (1 of 4 stars). 3 submissions from 3 submitters: Likely pathogenic (1); Uncertain significance (2). Last evaluated 2025-07-18.

Conditions:
Familial thoracic aortic aneurysm and aortic dissection (TAAD). Also called: Thoracic aortic aneurysms and dissections. Identifiers: Orphanet 91387, MedGen C4707243, MONDO:0019625.
Congenital contractural arachnodactyly (CCA). Also called: BEALS SYNDROME; Arthrogryposis, distal, type 9; Beals-Hecht syndrome. Identifiers: Orphanet 115, MedGen C0220668, MONDO:0007363, OMIM 121050.

Allele frequency attached by ClinVar (database versions not stated): gnomAD 0.00001.
gnomAD v4.1: 1 of 1,611,948 alleles (0.000062%); highest among the groups gnomAD compares: African/African-American, 0.0013%; no homozygotes.

Submissions (3):

Labcorp Genetics (formerly Invitae), Labcorp
Classification: Uncertain significance for Congenital contractural arachnodactyly. Last evaluated: 2025-07-18. Review status: criteria provided, single submitter. Criteria: Invitae Variant Classification Sherloc (09022015). Collection method: clinical testing. Allele origin: germline.
Comment: This sequence change creates a premature translational stop signal (p.Glu1328*) in the FBN2 gene. It is expected to result in an absent or disrupted protein product. However, the current clinical and genetic evidence is not sufficient to establish whether loss-of-function variants in FBN2 cause disease. This variant is not present in population databases (gnomAD no frequency). This variant has not been reported in the literature in individuals affected with FBN2-related conditions. ClinVar contains an entry for this variant (Variation ID: 992339). Algorithms developed to predict the effect of sequence changes on RNA splicing suggest that this variant may disrupt the consensus splice site. In summary, the available evidence is currently insufficient to determine the role of this variant in disease. Therefore, it has been classified as a Variant of Uncertain Significance.

Ambry Genetics
Classification: Uncertain significance for Familial thoracic aortic aneurysm and aortic dissection. Last evaluated: 2025-05-01. Review status: criteria provided, single submitter. Criteria: Ambry Variant Classification Scheme 2023. Collection method: clinical testing. Allele origin: germline.
Comment: The p.E1328* variant (also known as c.3982G>T), located in coding exon 31 of the FBN2 gene, results from a G to T substitution at nucleotide position 3982. This changes the amino acid from a glutamic acid to a stop codon within coding exon 31. This alteration is expected to result in protein truncation or nonsense-mediated mRNA decay. However, loss of function of FBN2 has not been established as a mechanism of disease. Based on the available evidence, the clinical significance of this alteration remains unclear.

Greenwood Genetic Center Diagnostic Laboratories, Greenwood Genetic Center
Classification: Likely pathogenic. Last evaluated: 2020-09-22. Review status: criteria provided, single submitter. Criteria: ACMG Guidelines, 2015. Collection method: clinical testing. Allele origin: germline. Affected: yes.